The following is an entry in ClinVar:

NM_007194.4(CHEK2):c.393_397del (p.Lys131fs)

Gene: CHEK2 (checkpoint kinase 2; minus strand). Cytogenetic location: 22q12.1.
Variant type: Deletion.
Coding change: c.393_397del on transcript NM_007194.4 (MANE Select); coding-DNA positions 393 to 397, 5 bases deleted (AAGAA; older notation c.393_397delAAGAA).
Protein change: p.Lys131fs; shifts the reading frame from lysine 131.
Molecular consequence: frameshift variant.
Genome position (GRCh38, 1-based): chr22:28,725,290-28,725,294, TTCTT deleted on the plus strand (AAGAA on the coding strand, the reverse complement: CHEK2 is on the minus strand); deleting any 5 consecutive bases within chr22:28,725,290-28,725,297 gives the same sequence; the c. name uses the placement nearest the transcript's 3' end. VCF-style (leftmost placement, unchanged base first): chr22-28725289-GTTCTT-G. GRCh37 (hg19) VCF-style: chr22-29121277-GTTCTT-G.
Other names: c.519_523delGAAAA, p.Lys174Asnfs (NM_001005735.3); c.-388_-384delGAAAA (NM_001257387.3); c.390_394delGAAAA, p.Lys131Asnfs (NM_001349956.3, NM_145862.3); short protein forms K174fs, K131fs.
Identifiers: ClinVar variation 2764529 (VCV002764529.3), dbSNP rs2518059416, ClinGen allele CA2697552657.

ClinVar aggregate classification (germline): Pathogenic (1 of 4 stars; one submission).

Conditions:
Familial cancer of breast. Also called: Hereditary breast cancer; BREAST CANCER, FAMILIAL; hereditary breast carcinoma. Identifiers: Orphanet 227535, MedGen C0346153, MONDO:0016419, OMIM 114480. Disease mechanism: loss of function.

Submission:

Labcorp Genetics (formerly Invitae), Labcorp
Classification: Pathogenic for Familial cancer of breast. Last evaluated: 2024-07-11. Review status: criteria provided, single submitter. Criteria: Invitae Variant Classification Sherloc (09022015). Collection method: clinical testing. Allele origin: germline.
Comment: This sequence change creates a premature translational stop signal (p.Lys131Asnfs*3) in the CHEK2 gene. It is expected to result in an absent or disrupted protein product. Loss-of-function variants in CHEK2 are known to be pathogenic (PMID: 21876083, 24713400). This variant is not present in population databases (gnomAD no frequency). This variant has not been reported in the literature in individuals affected with CHEK2-related conditions. For these reasons, this variant has been classified as Pathogenic.

Literature cited by the submitters: PubMed 21876083; PubMed 24713400.